The following is an entry in ClinVar:

ClinVar aggregate classification (germline): Uncertain significance (1 of 4 stars; one submission).

Conditions:
PRPF8-related disorder. Also called: PRPF8-related condition.

Submission:

3billion
Classification: Uncertain significance for PRPF8-related disorder. Last evaluated: 2024-06-27. Review status: criteria provided, single submitter. Criteria: ACMG Guidelines, 2015. Collection method: clinical testing. Allele origin: germline. Affected: yes.
Comment: The variant is not observed in the gnomAD v4.0.0 dataset. Predicted Consequence/Location: Frameshift: predicted to result in a loss or disruption of normal protein function through nonsense-mediated decay (NMD) or protein truncation. Multiple pathogenic variants are reported downstream of the variant. Therefore, this variant is classified as VUS according to the recommendation of ACMG/AMP guideline.

NM_006445.4(PRPF8):c.4174_4175del (p.Lys1392fs)

Gene: PRPF8 (pre-mRNA processing factor 8; minus strand). Cytogenetic location: 17p13.3.
Variant type: Deletion.
Coding change: c.4174_4175del on transcript NM_006445.4 (MANE Select); coding-DNA positions 4174 to 4175, 2 bases deleted (AA; older notation c.4174_4175delAA).
Protein change: p.Lys1392fs; shifts the reading frame from lysine 1392.
Molecular consequence: frameshift variant.
Genome position (GRCh38, 1-based): chr17:1,661,638-1,661,639, TT deleted on the plus strand (AA on the coding strand, the reverse complement: PRPF8 is on the minus strand). VCF-style (leftmost placement, unchanged base first): chr17-1661637-CTT-C. GRCh37 (hg19) VCF-style: chr17-1564931-CTT-C.
Other names: short protein forms K1392fs.
Identifiers: ClinVar variation 4293895 (VCV004293895.1).